The following is an entry in ClinVar:

ClinVar aggregate classification (germline): Conflicting classifications of pathogenicity. Review status: criteria provided, conflicting classifications (1 of 4 stars). 3 submissions from 3 submitters: Uncertain significance (1); Benign (1); Likely benign (1). Last evaluated 2025-08-05.

Conditions:
Hereditary cancer-predisposing syndrome. Also called: Neoplastic Syndromes, Hereditary; Tumor predisposition; Hereditary neoplastic syndrome; Hereditary Cancer Syndrome. Identifiers: Orphanet 140162, MedGen C0027672, MeSH D009386, MONDO:0015356.
Lynch syndrome 5 (LYNCH5). Also called: Colorectal cancer, hereditary nonpolyposis, type 5; Hereditary non-polyposis colorectal cancer, type 5. Identifiers: Orphanet 144, MedGen C1833477, MONDO:0013710, OMIM 614350. Disease mechanism: loss of function.

Submissions (3):

Quest Diagnostics Nichols Institute San Juan Capistrano
Classification: Uncertain significance. Last evaluated: 2025-08-05. Review status: criteria provided, single submitter. Criteria: Quest Diagnostics criteria. Collection method: clinical testing. Allele origin: unknown.
Comment: The MSH6 c.4065T>C (p.Thr1355=) synonymous variant has not been reported in individuals with MSH6-related conditions in the published literature. This variant has not been reported in large, multi-ethnic general populations (Genome Aggregation Database). Analysis of this variant using software algorithms for the prediction of the effect of nucleotide changes on splicing yielded predictions that this variant does not affect MSH6 mRNA splicing. Based on the available information, we are unable to determine the clinical significance of this variant.

Myriad Genetics, Inc.
Classification: Benign for Lynch syndrome 5. Last evaluated: 2025-01-09. Review status: criteria provided, single submitter. Criteria: Myriad Autosomal Dominant, Autosomal Recessive and X-Linked Classification Criteria (2023). Collection method: clinical testing. Allele origin: unknown.
Comment: This variant is considered benign. This variant is a silent/synonymous amino acid change and it is not expected to impact splicing.

Color Diagnostics, LLC DBA Color Health
Classification: Likely benign for Hereditary cancer-predisposing syndrome. Last evaluated: 2018-06-19. Review status: criteria provided, single submitter. Criteria: ACMG Guidelines, 2015. Collection method: clinical testing. Allele origin: germline.

NM_000179.3(MSH6):c.4065T>C (p.Thr1355=)

Gene: MSH6 (mutS homolog 6; plus strand). Cytogenetic location: 2p16.3.
Variant type: single nucleotide variant.
Coding change: c.4065T>C on transcript NM_000179.3 (MANE Select); coding-DNA position 4065, T replaced by C.
Protein change: p.Thr1355=; no amino-acid change (threonine 1355 retained).
Molecular consequence: synonymous variant.
Genome position (GRCh38, 1-based): chr2:47,806,842, T>C. VCF-style: chr2-47806842-T-C. GRCh37 (hg19) VCF-style: chr2-48033981-T-C.
Other names: c.3675T>C, p.Thr1225= (NM_001281492.2); c.3159T>C, p.Thr1053= (NM_001281493.2, NM_001281494.2).
Identifiers: ClinVar variation 628725 (VCV000628725.4), dbSNP rs766073664, ClinGen allele CA426122290.
Genomic context (GRCh38, chr2:47,806,842, plus strand): 5'-AGTTTGCCTGGCTAGTGAAAGGTCAACTGTAGATGCTGAAGCTGTCCATAAATTGCTGAC[T>C]TTGATTAAGGAATTATAGACTGACTACATTGGAAGCTTTGAGTTGACTTCTGACAAAGGT-3'
Protein context (NP_000170.1, residues 1345-1360): VDAEAVHKLL[Thr1355=]LIKEL